The following is an entry in ClinVar:

NM_006767.4(LZTR1):c.1848del (p.Glu616fs)

Gene: LZTR1 (leucine zipper like post translational regulator 1; plus strand). Cytogenetic location: 22q11.21.
Variant type: Deletion.
Coding change: c.1848del on transcript NM_006767.4 (MANE Select); coding-DNA position 1848, one base deleted (G; older notation c.1848delG).
Protein change: p.Glu616fs; shifts the reading frame from glutamic acid 616.
Molecular consequence: frameshift variant.
Genome position (GRCh38, 1-based): chr22:20,994,932, G deleted. VCF-style (leftmost placement, unchanged base first): chr22-20994931-AG-A. GRCh37 (hg19) VCF-style: chr22-21349220-AG-A.
Other names: short protein forms E616fs.
Identifiers: ClinVar variation 4615587 (VCV004615587.1).
Genomic context (GRCh38, chr22:20,994,931, plus strand): 5'-AGCACTGCCTGAACTTCGTGGTAAAGGAGTCCCACTTCAACCAGGTGATCATGATGAAGG[AG>A]TTCGAGCGCCTCTCCTCTCCACTGATAGTGGAGATTGTGCGGCGGAAGCAGCAGCCGCCC-3'

ClinVar aggregate classification (germline): Pathogenic (1 of 4 stars; one submission).

Conditions:
Cardiovascular phenotype. Identifiers: MedGen CN230736.
Hereditary cancer-predisposing syndrome. Also called: Neoplastic Syndromes, Hereditary; Tumor predisposition; Hereditary Cancer Syndrome; Hereditary neoplastic syndrome. Identifiers: Orphanet 140162, MedGen C0027672, MeSH D009386, MONDO:0015356.

Submission:

Ambry Genetics
Classification: Pathogenic for Cardiovascular phenotype; Hereditary cancer-predisposing syndrome. Last evaluated: 2025-10-02. Review status: criteria provided, single submitter. Criteria: Ambry Variant Classification Scheme 2023. Collection method: clinical testing. Allele origin: germline.
Comment: The c.1848delG pathogenic mutation, located in coding exon 16 of the LZTR1 gene, results from a deletion of one nucleotide at nucleotide position 1848, causing a translational frameshift with a predicted alternate stop codon (p.E616Dfs*9). This variant is considered to be rare based on population cohorts in the Genome Aggregation Database (gnomAD). This alteration is expected to result in loss of function by premature protein truncation or nonsense-mediated mRNA decay. Loss-of-function variants in LZTR1 are related to an increased risk for schwannomas and autosomal recessive Noonan syndrome; however, such associations with autosomal dominant Noonan syndrome have not been observed (Piotrowski A et al. Nat Genet. 2014 Feb;46:182-7; Yamamoto GL et al. J Med Genet. 2015 Jun;52:413-21; Johnston JJ et al. Genet Med. 2018 10;20:1175-1185). Based on the supporting evidence, this variant is pathogenic for an increased risk of LZTR1-related schwannomatosis (SWN) and would be expected to cause autosomal recessive Noonan syndrome when present along with a second pathogenic or likely pathogenic variant on the other allele; however, the association of this alteration with autosomal dominant Noonan syndrome is unlikely.